The following is an entry in ClinVar:

ClinVar aggregate classification (germline): Conflicting classifications of pathogenicity. Review status: criteria provided, conflicting classifications (1 of 4 stars). 11 submissions from 7 submitters: Uncertain significance (9); Benign (1); Likely benign (1). Last evaluated 2026-08-04.

Conditions:
TTN-related disorder. Also called: TTN-related condition; TTN-related disease; TTN-related disorders.
Dilated cardiomyopathy 1G (CMD1G). Identifiers: Orphanet 154, MedGen C1858763, MONDO:0011400, OMIM 604145.
Autosomal recessive limb-girdle muscular dystrophy type 2J (LGMDR10). Also called: Limb-girdle muscular dystrophy, type 2J; MUSCULAR DYSTROPHY, LIMB-GIRDLE, AUTOSOMAL RECESSIVE 10. Identifiers: Orphanet 140922, MedGen C1837342, MONDO:0012127, OMIM 608807.
Early-onset myopathy with fatal cardiomyopathy (CMYO5). Also called: CONGENITAL MYOPATHY 5 WITH CARDIOMYOPATHY; Salih Myopathy. Identifiers: Orphanet 289377, MedGen C2673677, MONDO:0012714, OMIM 611705. Disease mechanism: loss of function.
Myopathy, myofibrillar, 9, with early respiratory failure (MFM9). Also called: Hereditary myopathy with early respiratory failure; EDSTROM MYOPATHY; MYOPATHY, PROXIMAL, WITH EARLY RESPIRATORY MUSCLE INVOLVEMENT; Myopathy, distal, with early respiratory failure, autosomal dominant. Identifiers: Orphanet 178464, Orphanet 34521, MedGen C1863599, MONDO:0011362, OMIM 603689.
Tibial muscular dystrophy (TMD). Also called: Udd Distal Myopathy – Tibial Muscular Dystrophy; UDD MYOPATHY; Tibial muscular dystrophy, tardive. Identifiers: Orphanet 609, MedGen C1838244, MONDO:0010870, OMIM 600334.

Allele frequency attached by ClinVar (database versions not stated): TOPMed 0.00002; gnomAD exomes 0.00005; ExAC 0.00006; gnomAD 0.00006 and 0.00007; 1000 Genomes Project 30x 0.00016; 1000 Genomes Project 0.00020.

Submissions (11):

PreventionGenetics, part of Exact Sciences
Classification: Uncertain significance for TTN-related condition. Last evaluated: 2026-08-04. Review status: criteria provided, single submitter. Criteria: ACMG Guidelines, 2015. Collection method: clinical testing. Allele origin: germline.
Comment: The TTN c.105490C>T variant is predicted to result in the amino acid substitution p.Arg35164Cys. To our knowledge, this variant has not been reported in the literature. Another alteration giving rise to the same amino acid change has been reported in an individual from an exome sequencing cohort with limited clinical information provided (reported as c.97785C>T, p.Arg32596Cys in transcript NM_133378 in Supplemental Table 3, Ng et al. 2013. PubMed ID: 23861362). This variant is reported in 0.033% of alleles in individuals of South Asian descent in gnomAD. At this time, the clinical significance of this variant is uncertain due to the absence of conclusive functional and genetic evidence.

Revvity Omics, Revvity
Classification: Uncertain significance. Last evaluated: 2024-02-06. Review status: criteria provided, single submitter. Criteria: ACMG Guidelines, 2015. Collection method: clinical testing. Allele origin: germline.

Eurofins Ntd Llc (ga)
Classification: Uncertain significance. Last evaluated: 2018-06-08. Review status: criteria provided, single submitter. Criteria: EGL ClinVar v180209 classification definitions. Collection method: clinical testing. Allele origin: germline. Observed: 1 variant allele, 1 heterozygote.

Illumina Laboratory Services, Illumina
Classification: Uncertain significance for Dilated cardiomyopathy 1G. Last evaluated: 2018-01-12. Review status: criteria provided, single submitter. Criteria: ICSL Variant Classification Criteria 13 December 2019. Collection method: clinical testing. Allele origin: germline.

Illumina Laboratory Services, Illumina
Classification: Uncertain significance for Early-onset myopathy with fatal cardiomyopathy. Last evaluated: 2018-01-12. Review status: criteria provided, single submitter. Criteria: ICSL Variant Classification Criteria 13 December 2019. Collection method: clinical testing. Allele origin: germline.

Illumina Laboratory Services, Illumina
Classification: Likely benign for Myopathy, myofibrillar, 9, with early respiratory failure. Last evaluated: 2018-01-12. Review status: criteria provided, single submitter. Criteria: ICSL Variant Classification Criteria 13 December 2019. Collection method: clinical testing. Allele origin: germline.
Comment: This variant was observed in the ICSL laboratory as part of a predisposition screen in an ostensibly healthy population. It had not been previously curated by ICSL or reported in the Human Gene Mutation Database (HGMD: prior to June 1st, 2018), and was therefore a candidate for classification through an automated scoring system. Utilizing variant allele frequency, disease prevalence and penetrance estimates, and inheritance mode, an automated score was calculated to assess if this variant is too frequent to cause the disease. Based on the score and internal cut-off values, a variant classified as likely benign is not then subjected to further curation. The score for this variant resulted in a classification of likely benign for this disease.

Illumina Laboratory Services, Illumina
Classification: Benign for Tibial muscular dystrophy. Last evaluated: 2018-01-12. Review status: criteria provided, single submitter. Criteria: ICSL Variant Classification Criteria 13 December 2019. Collection method: clinical testing. Allele origin: germline.
Comment: This variant was observed in the ICSL laboratory as part of a predisposition screen in an ostensibly healthy population. It had not been previously curated by ICSL or reported in the Human Gene Mutation Database (HGMD: prior to June 1st, 2018), and was therefore a candidate for classification through an automated scoring system. Utilizing variant allele frequency, disease prevalence and penetrance estimates, and inheritance mode, an automated score was calculated to assess if this variant is too frequent to cause the disease. Based on the score and internal cut-off values, a variant classified as benign is not then subjected to further curation. The score for this variant resulted in a classification of benign for this disease.

Illumina Laboratory Services, Illumina
Classification: Uncertain significance for Autosomal recessive limb-girdle muscular dystrophy type 2J. Last evaluated: 2018-01-12. Review status: criteria provided, single submitter. Criteria: ICSL Variant Classification Criteria 13 December 2019. Collection method: clinical testing. Allele origin: germline.

Labcorp Genetics (formerly Invitae), Labcorp
Classification: Uncertain significance for Dilated cardiomyopathy 1G; Autosomal recessive limb-girdle muscular dystrophy type 2J. Last evaluated: 2016-09-23. Review status: criteria provided, single submitter. Criteria: Invitae Variant Classification Sherloc (09022015). Collection method: clinical testing. Allele origin: germline.

GeneDx
Classification: Uncertain significance. Last evaluated: 2014-11-20. Review status: criteria provided, single submitter. Criteria: GeneDx Variant Classification (06012015). Collection method: clinical testing. Allele origin: germline. Affected: yes.
Comment: Missense variants in the TTN gene are considered 'unclassified' if they are not previously reported in the literature and do not have >1% frequency in the population to be considered a polymorphism. Research indicates that truncating mutations in the TTN gene are expected to account for approximately 25% of familial and 18% of sporadic idiopathic DCM; however, truncating variants in the TTN gene have been reported in approximately 3% of reported control alleles. There has been little investigation into non-truncating variants. (Herman D et al. Truncations of titin causing dilated cardiomyopathy. N Eng J Med 366:619-628, 2012) The variant is found in DCM-CRDM panel(s).

Biesecker Lab/Clinical Genomics Section, National Institutes of Health
Classification: Uncertain significance. Last evaluated: 2013-06-24. Review status: criteria provided, single submitter. Criteria: Ng et al. (Circ Cardiovasc Genet. 2013). Collection method: research. Allele origin: unknown. Observed: 1 variant allele. Study: ClinSeq.
Comment: The study set was not selected for affection status in relation to any cancer. Pathogenicity categories were based on literature curation. See Pubmed ID:23861362 for details.

Medical sequencing

NM_001267550.2(TTN):c.105490C>T (p.Arg35164Cys)

Genes: TTN (titin; minus strand), TTN-AS1 (TTN antisense RNA 1; plus strand). Cytogenetic location: 2q31.2.
Variant type: single nucleotide variant.
Coding change: c.105490C>T on transcript NM_001267550.2 (MANE Select); coding-DNA position 105490, C replaced by T.
Protein change: p.Arg35164Cys; replaces arginine 35164 with cysteine.
Molecular consequence: missense variant.
Genome position (GRCh38, 1-based): chr2:178,531,125, G>A on the plus strand (C>T on the coding strand, the complement: TTN is on the minus strand). VCF-style: chr2-178531125-G-A. GRCh37 (hg19) VCF-style: chr2-179395852-G-A.
Other names: p.R33523C:CGT>TGT; c.100567C>T, p.Arg33523Cys (NM_001256850.1); c.78295C>T, p.Arg26099Cys (NM_003319.4); c.97786C>T, p.Arg32596Cys (NM_133378.4); c.78670C>T, p.Arg26224Cys (NM_133432.3); c.78871C>T, p.Arg26291Cys (NM_133437.4); short protein forms R32596C, R35164C, R33523C, R26224C, R26099C, R26291C.
Identifiers: ClinVar variation 191811 (VCV000191811.15), dbSNP rs200123047, ClinGen allele CA302379.